The following is an entry in ClinVar:

NM_020800.3(IFT80):c.1520C>T (p.Thr507Ile)

Genes: IFT80 (intraflagellar transport 80; minus strand), TRIM59-IFT80 (TRIM59-IFT80 readthrough (NMD candidate); minus strand). Cytogenetic location: 3q25.33.
Variant type: single nucleotide variant.
Coding change: c.1520C>T on transcript NM_020800.3 (MANE Select); coding-DNA position 1520, C replaced by T.
Protein change: p.Thr507Ile; replaces threonine 507 with isoleucine.
Molecular consequence: missense variant. On other transcripts: non-coding transcript variant (3).
Genome position (GRCh38, 1-based): chr3:160,280,811, G>A on the plus strand (C>T on the coding strand, the complement: IFT80 is on the minus strand). VCF-style: chr3-160280811-G-A. GRCh37 (hg19) VCF-style: chr3-159998599-G-A.
Other names: c.1109C>T, p.Thr370Ile (NM_001190241.2, NM_001190242.2); short protein forms T370I, T507I.
Identifiers: ClinVar variation 1510280 (VCV001510280.6), dbSNP rs2108231550, ClinGen allele CA355191435.
Genomic context (GRCh38, chr3:160,280,811, plus strand): 5'-GTATCTTGAAGTCCACAAAGGATATTGCATGTATCGTTCCATGCCAAAGTATGCACCATT[G>A]TTCCTTAATTTAAAAAGAATGTTAATGTGCTATTAGCTTTAATATGTAAGAATTAAAAAT-3'
Protein context (NP_065851.1, residues 497-517): GKEEQIIKLG[Thr507Ile]MVHTLAWNDT

ClinVar aggregate classification (germline): Uncertain significance (1 of 4 stars; one submission).

Conditions:
Jeune thoracic dystrophy. Also called: Jeune syndrome; Infantile thoracic dystrophy; Thoracic pelvic phalangeal dystrophy; Jeune's syndrome; Chondroectodermal dysplasia-like syndrome; Short-rib thoracic dysplasia. Identifiers: Orphanet 474, MedGen C0265275, MONDO:0018770.

Submission:

Labcorp Genetics (formerly Invitae), Labcorp
Classification: Uncertain significance for Jeune thoracic dystrophy. Last evaluated: 2021-08-04. Review status: criteria provided, single submitter. Criteria: Invitae Variant Classification Sherloc (09022015). Collection method: clinical testing. Allele origin: germline.
Comment: This sequence change replaces threonine with isoleucine at codon 507 of the IFT80 protein (p.Thr507Ile). The threonine residue is moderately conserved and there is a moderate physicochemical difference between threonine and isoleucine. This variant is not present in population databases (ExAC no frequency). This variant has not been reported in the literature in individuals affected with IFT80-related conditions. Algorithms developed to predict the effect of missense changes on protein structure and function are either unavailable or do not agree on the potential impact of this missense change (SIFT: "Deleterious"; PolyPhen-2: "Benign"; Align-GVGD: "Class C0"). In summary, the available evidence is currently insufficient to determine the role of this variant in disease. Therefore, it has been classified as a Variant of Uncertain Significance.